The following is an entry in ClinVar:

NM_000158.4(GBE1):c.950G>A (p.Gly317Glu)

Gene: GBE1 (1,4-alpha-glucan branching enzyme 1; minus strand). Cytogenetic location: 3p12.2.
Variant type: single nucleotide variant.
Coding change: c.950G>A on transcript NM_000158.4 (MANE Select); coding-DNA position 950, G replaced by A.
Protein change: p.Gly317Glu; replaces glycine 317 with glutamic acid.
Molecular consequence: missense variant.
Genome position (GRCh38, 1-based): chr3:81,642,823, C>T on the plus strand (G>A on the coding strand, the complement: GBE1 is on the minus strand). VCF-style: chr3-81642823-C-T. GRCh37 (hg19) VCF-style: chr3-81691974-C-T.
Other names: NM_000158.4:c.950G>A; short protein forms G317E.
Identifiers: ClinVar variation 1341393 (VCV001341393.5), dbSNP rs1253319926, ClinGen allele CA353687222.

ClinVar aggregate classification (germline): Uncertain significance. Review status: criteria provided, multiple submitters, no conflicts (2 of 4 stars). 3 submissions from 3 submitters: Uncertain significance (3). Last evaluated 2024-08-19.

Conditions:
Glycogen storage disease IV, classic hepatic. Also called: GSD IV, CLASSIC HEPATIC. Identifiers: MedGen C1856301.
Glycogen storage disease, type IV (GSD4). Also called: AMYLOPECTINOSIS; ANDERSEN DISEASE; BRANCHER DEFICIENCY; Glycogen storage disease due to glycogen branching enzyme deficiency; CIRRHOSIS, FAMILIAL, WITH DEPOSITION OF ABNORMAL GLYCOGEN; GBE1 DEFICIENCY. Identifiers: Orphanet 367, MedGen C0017923, MONDO:0009292, OMIM 232500.

Allele frequency attached by ClinVar (database versions not stated): gnomAD exomes below 0.00001.
gnomAD v4.1: 4 of 1,613,098 alleles (0.00025%); highest among the groups gnomAD compares: Admixed American, 0.0033%; no homozygotes.

Submissions (3):

Women's Health and Genetics/Laboratory Corporation of America, LabCorp
Classification: Uncertain significance. Last evaluated: 2024-08-19. Review status: criteria provided, single submitter. Criteria: LabCorp Variant Classification Summary - May 2015. Collection method: clinical testing. Allele origin: germline.
Comment: Variant summary: GBE1 c.950G>A (p.Gly317Glu) results in a non-conservative amino acid change located in the Glycosyl hydrolase, family 13, catalytic domain (IPR006047) of the encoded protein sequence. Five of five in-silico tools predict a damaging effect of the variant on protein function. The variant allele was found at a frequency of 4e-06 in 248728 control chromosomes (gnomAD). The available data on variant occurrences in the general population are insufficient to allow any conclusion about variant significance. c.950G>A has been reported in the literature in an individuals affected with Glycogen Storage Disease, Type IV (Ying_2020). These data do not allow any conclusion about variant significance. To our knowledge, no experimental evidence demonstrating an impact on protein function has been reported. The following publication has been ascertained in the context of this evaluation (PMID: 33344388). ClinVar contains an entry for this variant (Variation ID: 1341393). Based on the evidence outlined above, the variant was classified as uncertain significance.

Labcorp Genetics (formerly Invitae), Labcorp
Classification: Uncertain significance for Glycogen storage disease, type IV; Glycogen storage disease IV, classic hepatic. Last evaluated: 2022-07-12. Review status: criteria provided, single submitter. Criteria: Invitae Variant Classification Sherloc (09022015). Collection method: clinical testing. Allele origin: germline.
Comment: This sequence change replaces glycine with glutamic acid at codon 317 of the GBE1 protein (p.Gly317Glu). The glycine residue is highly conserved and there is a moderate physicochemical difference between glycine and glutamic acid. This variant is present in population databases (no rsID available, gnomAD 0.003%). This missense change has been observed in individual(s) with GBE1-related conditions (PMID: 33344388). ClinVar contains an entry for this variant (Variation ID: 1341393). Advanced modeling of protein sequence and biophysical properties (such as structural, functional, and spatial information, amino acid conservation, physicochemical variation, residue mobility, and thermodynamic stability) performed at Invitae indicates that this missense variant is expected to disrupt GBE1 protein function. In summary, the available evidence is currently insufficient to determine the role of this variant in disease. Therefore, it has been classified as a Variant of Uncertain Significance.

Broad Center for Mendelian Genomics, Broad Institute of MIT and Harvard
Classification: Uncertain significance for Glycogen storage disease, type IV. Last evaluated: 2022-01-27. Review status: criteria provided, single submitter. Criteria: ACMG Guidelines, 2015. Collection method: curation. Allele origin: germline. Inheritance: Autosomal recessive inheritance.
Comment: The p.Gly317Glu variant in GBE1 has been reported in 1 individual, in the compound heterozygous state, with glycogen storage disease type IV (GSD IV) (PMID: 33344388) and has been identified in 0.003% (1/34478) of Latino/Admixed American chromosomes by the Genome Aggregation Database (gnomAD; dbSNP ID: rs1253319926). Although this variant has been seen in the general population in a heterozygous state, its frequency is low enough to be consistent with a recessive carrier frequency. Computational prediction tools and conservation analyses suggest that this variant may impact the protein, though this information is not predictive enough to determine pathogenicity. In summary, the clinical significance of the p.Gly317Glu variant is uncertain. ACMG/AMP Criteria applied: PP3, PM2_supporting (Richards 2015).

Literature cited by the submitters: PubMed 33344388 (cited by Women's Health and Genetics/Laboratory Corporation of America, LabCorp and Labcorp Genetics (formerly Invitae), Labcorp).